The following is an entry in ClinVar:

NM_000136.3(FANCC):c.1514C>T (p.Ala505Val)

Genes: FANCC (FA complementation group C; minus strand), AOPEP (aminopeptidase O (putative); plus strand). Cytogenetic location: 9q22.32.
Variant type: single nucleotide variant.
Coding change: c.1514C>T on transcript NM_000136.3 (MANE Select); coding-DNA position 1514, C replaced by T.
Protein change: p.Ala505Val; replaces alanine 505 with valine.
Molecular consequence: missense variant.
Genome position (GRCh38, 1-based): chr9:95,107,085, G>A on the plus strand (C>T on the coding strand, the complement: FANCC is on the minus strand). VCF-style: chr9-95107085-G-A. GRCh37 (hg19) VCF-style: chr9-97869367-G-A.
Other names: c.1514C>T, p.Ala505Val (NM_001243743.2); short protein forms A505V.
Identifiers: ClinVar variation 3512804 (VCV003512804.1).
Genomic context (GRCh38, chr9:95,107,085, plus strand): 5'-CAGAAATGAGTACTAGGATGCTGGACCACAGGGAGACTTACCAGGGTGATGACATCCCAG[G>A]CGATCGTGTGGCCTCCAGGAGCCCAGAGCAGGAAGTTGAGGAGAAGGTGCCTGATCAGCT-3'
Protein context (NP_000127.2, residues 495-515): LLWAPGGHTI[Ala505Val]WDVITLMAHT

ClinVar aggregate classification (germline): Uncertain significance (1 of 4 stars; one submission).

Conditions:
Hereditary cancer-predisposing syndrome. Also called: Tumor predisposition; Neoplastic Syndromes, Hereditary; Hereditary Cancer Syndrome; Hereditary neoplastic syndrome. Identifiers: Orphanet 140162, MedGen C0027672, MeSH D009386, MONDO:0015356.

Submission:

Ambry Genetics
Classification: Uncertain significance for Hereditary cancer-predisposing syndrome. Last evaluated: 2024-11-23. Review status: criteria provided, single submitter. Criteria: Ambry Variant Classification Scheme 2023. Collection method: clinical testing. Allele origin: germline.
Comment: The p.A505V variant (also known as c.1514C>T), located in coding exon 13 of the FANCC gene, results from a C to T substitution at nucleotide position 1514. The alanine at codon 505 is replaced by valine, an amino acid with similar properties. This amino acid position is conserved. In addition, this alteration is predicted to be tolerated by in silico analysis. Based on the available evidence, the clinical significance of this variant remains unclear.